The following is an entry in ClinVar:

ClinVar aggregate classification (germline): Uncertain significance (1 of 4 stars; one submission).

Conditions:
Inborn genetic diseases. Identifiers: MedGen C0950123, MeSH D030342.

Submission:

Ambry Genetics
Classification: Uncertain significance for Inborn genetic diseases. Last evaluated: 2026-01-05. Review status: criteria provided, single submitter. Criteria: Ambry Variant Classification Scheme 2023. Collection method: clinical testing. Allele origin: germline.
Comment: The p.D909Y variant (also known as c.2725G>T), located in coding exon 24 of the ANKRD26 gene, results from a G to T substitution at nucleotide position 2725. The aspartic acid at codon 909 is replaced by tyrosine, an amino acid with highly dissimilar properties. This amino acid position is conserved. In addition, this alteration is predicted to be tolerated by in silico analysis. Based on the available evidence, the clinical significance of this variant remains unclear.

NM_014915.3(ANKRD26):c.2725G>T (p.Asp909Tyr)

Gene: ANKRD26 (ankyrin repeat domain 26; minus strand). Cytogenetic location: 10p12.1.
Variant type: single nucleotide variant.
Coding change: c.2725G>T on transcript NM_014915.3 (MANE Select); coding-DNA position 2725, G replaced by T.
Protein change: p.Asp909Tyr; replaces aspartic acid 909 with tyrosine.
Molecular consequence: missense variant.
Genome position (GRCh38, 1-based): chr10:27,035,725, C>A on the plus strand (G>T on the coding strand, the complement: ANKRD26 is on the minus strand). VCF-style: chr10-27035725-C-A. GRCh37 (hg19) VCF-style: chr10-27324654-C-A.
Other names: c.2722G>T, p.Asp908Tyr (NM_001256053.2); short protein forms D909Y, D908Y.
Identifiers: ClinVar variation 4842360 (VCV004842360.1).
Genomic context (GRCh38, chr10:27,035,725, plus strand): 5'-CTATTTCTAGTCTTAGCATAGCAATTTCTTCCTGCAACATGCTATTTTTATGCGATAGGT[C>A]TTTTTCTTCTTCATGACTATGAGAATTCTAAGTAAAACAAAGGAAACTTTGAGCTAGCAC-3'
Protein context (NP_055730.2, residues 899-919): ENSHSHEEEK[Asp909Tyr]LSHKNSMLQE